The following is an entry in ClinVar:

ClinVar aggregate classification (germline): Uncertain significance (1 of 4 stars; one submission).

gnomAD v4.1: 3 of 1,211,210 alleles (0.00025%); highest among the groups gnomAD compares: Non-Finnish European, 0.00034%; no homozygotes.

Submission:

GeneDx
Classification: Uncertain significance. Last evaluated: 2025-10-29. Review status: criteria provided, single submitter. Criteria: GeneDx Variant Classification Process June 2021. Collection method: clinical testing. Allele origin: germline.
Comment: Not observed at significant frequency in large population cohorts (gnomAD); In silico analysis supports that this missense variant has a deleterious effect on protein structure/function; Has not been previously published as pathogenic or benign to our knowledge

NM_181303.2(NLGN3):c.1352G>A (p.Arg451Gln)

Gene: NLGN3 (neuroligin 3; plus strand). Cytogenetic location: Xq13.1.
Variant type: single nucleotide variant.
Coding change: c.1352G>A on transcript NM_181303.2 (MANE Select); coding-DNA position 1352, G replaced by A.
Protein change: p.Arg451Gln; replaces arginine 451 with glutamine.
Molecular consequence: missense variant.
Genome position (GRCh38, 1-based): chrX:71,167,449, G>A. VCF-style: chrX-71167449-G-A. GRCh37 (hg19) VCF-style: chrX-70387299-G-A.
Other names: c.1232G>A, p.Arg411Gln (NM_001166660.2); c.941G>A, p.Arg314Gln (NM_001321276.2); c.1292G>A, p.Arg431Gln (NM_018977.4); short protein forms R314Q, R411Q, R431Q, R451Q.
Identifiers: ClinVar variation 3764114 (VCV003764114.2).